The following is an entry in ClinVar:

ClinVar aggregate classification (germline): Uncertain significance. Review status: criteria provided, multiple submitters, no conflicts (2 of 4 stars). 3 submissions from 3 submitters: Uncertain significance (2). 1 of the submissions does not count toward it. Last evaluated 2024-06-19.

Conditions:
Immunodeficiency 36 with lymphoproliferation. Also called: ACTIVATED PI3K-DELTA SYNDROME 2; Immunodeficiency 36; Activated PI3K Delta Syndrome Type 2 (APDS2). Identifiers: Orphanet 397596, Orphanet 693681, MedGen C4014934, MONDO:0014453, OMIM 616005.
SHORT syndrome. Also called: PIK3R1-Related SHORT Syndrome; SHORT STATURE, HYPEREXTENSIBILITY, HERNIA, OCULAR DEPRESSION, RIEGER ANOMALY, AND TEETHING DELAY; LIPODYSTROPHY, PARTIAL, WITH RIEGER ANOMALY AND SHORT STATURE. Identifiers: Orphanet 3163, MedGen C0878684, MONDO:0010026, OMIM 269880.
Agammaglobulinemia 7, autosomal recessive (AGM7). Also called: AGAMMAGLOBULINEMIA, AUTOSOMAL RECESSIVE, DUE TO PIK3R1 DEFECT. Identifiers: MedGen C3554689, MONDO:0014083, OMIM 615214.

Allele frequency attached by ClinVar (database versions not stated): gnomAD exomes below 0.00001; gnomAD 0.00002; TOPMed 0.00002; 1000 Genomes Project 30x 0.00016; 1000 Genomes Project 0.00020.

Submissions (3):

Labcorp Genetics (formerly Invitae), Labcorp
Classification: Uncertain significance for SHORT syndrome; Immunodeficiency 36 with lymphoproliferation; Agammaglobulinemia 7, autosomal recessive. Last evaluated: 2024-06-19. Review status: criteria provided, single submitter. Criteria: Invitae Variant Classification Sherloc (09022015). Collection method: clinical testing. Allele origin: germline.
Comment: This sequence change replaces methionine, which is neutral and non-polar, with valine, which is neutral and non-polar, at codon 176 of the PIK3R1 protein (p.Met176Val). This variant is present in population databases (rs200820769, gnomAD 0.008%). This variant has not been reported in the literature in individuals affected with PIK3R1-related conditions. ClinVar contains an entry for this variant (Variation ID: 135040). Algorithms developed to predict the effect of missense changes on protein structure and function output the following: SIFT: "Not Available"; PolyPhen-2: "Benign"; Align-GVGD: "Not Available". The valine amino acid residue is found in multiple mammalian species, which suggests that this missense change does not adversely affect protein function. In summary, the available evidence is currently insufficient to determine the role of this variant in disease. Therefore, it has been classified as a Variant of Uncertain Significance.

CeGaT Center for Human Genetics Tuebingen
Classification: Uncertain significance. Last evaluated: 2024-02-01. Review status: criteria provided, single submitter. Criteria: CeGaT Center For Human Genetics Tuebingen Variant Classification Criteria Version 2. Collection method: clinical testing. Allele origin: germline. Affected: yes. Observed: 1 variant allele.
Comment: PIK3R1: PM2, BP4

ITMI
No classification provided. Condition: AllHighlyPenetrant. Last evaluated: 2013-09-19. Review status: no classification provided. Collection method: reference population. Allele origin: germline. Not counted in ClinVar's aggregate classification.
Comment: Please see associated publication for description of ethnicities

Literature cited by the submitters: PubMed 24728327 (cited by ITMI).

NM_181523.3(PIK3R1):c.526A>G (p.Met176Val)

Gene: PIK3R1 (phosphoinositide-3-kinase regulatory subunit 1; plus strand). Cytogenetic location: 5q13.1.
Variant type: single nucleotide variant.
Coding change: c.526A>G on transcript NM_181523.3 (MANE Select); coding-DNA position 526, A replaced by G.
Protein change: p.Met176Val; replaces methionine 176 with valine.
Molecular consequence: missense variant.
Genome position (GRCh38, 1-based): chr5:68,279,625, A>G. VCF-style: chr5-68279625-A-G. GRCh37 (hg19) VCF-style: chr5-67575453-A-G.
Other names: short protein forms M176V.
Identifiers: ClinVar variation 135040 (VCV000135040.29), dbSNP rs200820769, ClinGen allele CA161495.